The following is an entry in ClinVar:

NM_182931.3(KMT2E):c.2218A>C (p.Ser740Arg)

Gene: KMT2E (lysine methyltransferase 2E (inactive); plus strand). Cytogenetic location: 7q22.3.
Variant type: single nucleotide variant.
Coding change: c.2218A>C on transcript NM_182931.3 (MANE Select); coding-DNA position 2218, A replaced by C.
Protein change: p.Ser740Arg; replaces serine 740 with arginine.
Molecular consequence: missense variant.
Genome position (GRCh38, 1-based): chr7:105,105,460, A>C. VCF-style: chr7-105105460-A-C. GRCh37 (hg19) VCF-style: chr7-104745907-A-C.
Other names: c.2218A>C, p.Ser740Arg (NM_001410908.1, NM_018682.4); short protein forms S740R.
Identifiers: ClinVar variation 2747427 (VCV002747427.3), dbSNP rs2536502658, ClinGen allele CA368785801.

ClinVar aggregate classification (germline): Uncertain significance (1 of 4 stars; one submission).

Submission:

Labcorp Genetics (formerly Invitae), Labcorp
Classification: Uncertain significance. Last evaluated: 2023-07-27. Review status: criteria provided, single submitter. Criteria: Invitae Variant Classification Sherloc (09022015). Collection method: clinical testing. Allele origin: germline.
Comment: This variant has not been reported in the literature in individuals affected with KMT2E-related conditions. Advanced modeling of protein sequence and biophysical properties (such as structural, functional, and spatial information, amino acid conservation, physicochemical variation, residue mobility, and thermodynamic stability) performed at Invitae indicates that this missense variant is not expected to disrupt KMT2E protein function. In summary, the available evidence is currently insufficient to determine the role of this variant in disease. Therefore, it has been classified as a Variant of Uncertain Significance. This variant is not present in population databases (gnomAD no frequency). This sequence change replaces serine, which is neutral and polar, with arginine, which is basic and polar, at codon 740 of the KMT2E protein (p.Ser740Arg).